The following is an entry in ClinVar:

ClinVar aggregate classification (germline): Uncertain significance (1 of 4 stars; one submission).

Allele frequency attached by ClinVar (database versions not stated): gnomAD exomes 0.00001; ExAC 0.00002; gnomAD 0.00003; TOPMed 0.00003.
gnomAD v4.1: 16 of 1,599,754 alleles (0.001%); highest among the groups gnomAD compares: Non-Finnish European, 0.0014%; no homozygotes.

Submission:

Labcorp Genetics (formerly Invitae), Labcorp
Classification: Uncertain significance. Last evaluated: 2023-08-10. Review status: criteria provided, single submitter. Criteria: Invitae Variant Classification Sherloc (09022015). Collection method: clinical testing. Allele origin: germline.
Comment: This sequence change replaces proline, which is neutral and non-polar, with serine, which is neutral and polar, at codon 702 of the HMCN1 protein (p.Pro702Ser). This variant is present in population databases (rs758304167, gnomAD 0.004%). This variant has not been reported in the literature in individuals affected with HMCN1-related conditions. An algorithm developed to predict the effect of missense changes on protein structure and function (PolyPhen-2) suggests that this variant is likely to be disruptive. In summary, the available evidence is currently insufficient to determine the role of this variant in disease. Therefore, it has been classified as a Variant of Uncertain Significance.

NM_031935.3(HMCN1):c.2104C>T (p.Pro702Ser)

Gene: HMCN1 (hemicentin 1; plus strand). Cytogenetic location: 1q31.1.
Variant type: single nucleotide variant.
Coding change: c.2104C>T on transcript NM_031935.3 (MANE Select); coding-DNA position 2104, C replaced by T.
Protein change: p.Pro702Ser; replaces proline 702 with serine.
Molecular consequence: missense variant.
Genome position (GRCh38, 1-based): chr1:185,965,807, C>T. VCF-style: chr1-185965807-C-T. GRCh37 (hg19) VCF-style: chr1-185934939-C-T.
Other names: short protein forms P702S.
Identifiers: ClinVar variation 3001928 (VCV003001928.3), dbSNP rs758304167, ClinGen allele CA1291296.